The following is an entry in ClinVar:

ClinVar aggregate classification (germline): Pathogenic/Likely pathogenic. Review status: criteria provided, multiple submitters, no conflicts (2 of 4 stars). 2 submissions from 2 submitters: Pathogenic (1); Likely pathogenic (1). Last evaluated 2022-04-18.

Conditions:
Curry-Hall syndrome (WAD). Also called: WEYERS ACRODENTAL DYSOSTOSIS. Identifiers: Orphanet 952, MedGen C0457013, MONDO:0008673, OMIM 193530.
Ellis-van Creveld syndrome (EVC). Also called: Chondroectodermal dysplasia; MESOECTODERMAL DYSPLASIA; EVC-Related Ellis-van Creveld Syndrome; EVC2-Related Ellis-van Creveld Syndrome. Identifiers: Orphanet 289, MedGen C0013903, MONDO:0009162, OMIM 225500.

Submissions (2):

Fulgent Genetics
Classification: Likely pathogenic for Curry-Hall syndrome; Ellis-van Creveld syndrome. Last evaluated: 2022-04-18. Review status: criteria provided, single submitter. Criteria: ACMG Guidelines, 2015. Collection method: clinical testing. Allele origin: unknown.

Labcorp Genetics (formerly Invitae), Labcorp
Classification: Pathogenic for Curry-Hall syndrome; Ellis-van Creveld syndrome. Last evaluated: 2020-10-07. Review status: criteria provided, single submitter. Criteria: Invitae Variant Classification Sherloc (09022015). Collection method: clinical testing. Allele origin: germline.
Comment: For these reasons, this variant has been classified as Pathogenic. Loss-of-function variants in EVC2 are known to be pathogenic (PMID: 17024374, 19810119, 19876929). This sequence change creates a premature translational stop signal (p.Leu656*) in the EVC2 gene. It is expected to result in an absent or disrupted protein product. This variant is not present in population databases (ExAC no frequency). This variant has not been reported in the literature in individuals with EVC2-related conditions.

Literature cited by the submitters: PubMed 17024374 (cited by Labcorp Genetics (formerly Invitae), Labcorp); PubMed 19810119 (cited by Labcorp Genetics (formerly Invitae), Labcorp); PubMed 19876929 (cited by Labcorp Genetics (formerly Invitae), Labcorp).

NM_147127.5(EVC2):c.1967T>A (p.Leu656Ter)

Gene: EVC2 (EvC ciliary complex subunit 2; minus strand). Cytogenetic location: 4p16.2.
Variant type: single nucleotide variant.
Coding change: c.1967T>A on transcript NM_147127.5 (MANE Select); coding-DNA position 1967, T replaced by A.
Protein change: p.Leu656Ter; replaces leucine 656 with a stop codon.
Molecular consequence: nonsense.
Genome position (GRCh38, 1-based): chr4:5,625,828, A>T on the plus strand (T>A on the coding strand, the complement: EVC2 is on the minus strand). VCF-style: chr4-5625828-A-T. GRCh37 (hg19) VCF-style: chr4-5627555-A-T.
Other names: c.1727T>A, p.Leu576Ter (NM_001166136.2); short protein forms L576*, L656*.
Identifiers: ClinVar variation 1073162 (VCV001073162.9), dbSNP rs1367694162, ClinGen allele CA356146018.